The following is an entry in ClinVar:

ClinVar aggregate classification (germline): Pathogenic/Likely pathogenic. Review status: criteria provided, multiple submitters, no conflicts (2 of 4 stars). 2 submissions from 2 submitters: Pathogenic (1); Likely pathogenic (1). Last evaluated 2024-02-26.

Conditions:
Dalmatian hypouricemia (RHUC1). Identifiers: MedGen C0473219, MONDO:0020728, OMIM 220150.

Allele frequency attached by ClinVar (database versions not stated): gnomAD exomes below 0.00001; TOPMed 0.00002; ExAC 0.00003; gnomAD 0.00003; 1000 Genomes Project 0.00020; 1000 Genomes Project 30x 0.00031.
gnomAD v4.1: 10 of 1,612,634 alleles (0.00062%); highest among the groups gnomAD compares: Admixed American, 0.0067%; no homozygotes.

Submissions (2):

Labcorp Genetics (formerly Invitae), Labcorp
Classification: Pathogenic. Last evaluated: 2024-02-26. Review status: criteria provided, single submitter. Criteria: Invitae Variant Classification Sherloc (09022015). Collection method: clinical testing. Allele origin: germline.
Comment: This sequence change creates a premature translational stop signal (p.Trp357*) in the SLC22A12 gene. It is expected to result in an absent or disrupted protein product. Loss-of-function variants in SLC22A12 are known to be pathogenic (PMID: 14694169). This variant is present in population databases (rs534253348, gnomAD 0.02%). This variant has not been reported in the literature in individuals affected with SLC22A12-related conditions. ClinVar contains an entry for this variant (Variation ID: 1908931). Algorithms developed to predict the effect of sequence changes on RNA splicing suggest that this variant may disrupt the consensus splice site. For these reasons, this variant has been classified as Pathogenic.

Fulgent Genetics
Classification: Likely pathogenic for Dalmatian hypouricemia. Last evaluated: 2024-01-09. Review status: criteria provided, single submitter. Criteria: ACMG Guidelines, 2015. Collection method: clinical testing. Allele origin: germline.

Literature cited by the submitters: PubMed 14694169 (cited by Labcorp Genetics (formerly Invitae), Labcorp).

NM_144585.4(SLC22A12):c.1070G>A (p.Trp357Ter)

Gene: SLC22A12 (solute carrier family 22 member 12; plus strand). Cytogenetic location: 11q13.1.
Variant type: single nucleotide variant.
Coding change: c.1070G>A on transcript NM_144585.4 (MANE Select); coding-DNA position 1070, G replaced by A.
Protein change: p.Trp357Ter; replaces tryptophan 357 with a stop codon.
Molecular consequence: nonsense.
Genome position (GRCh38, 1-based): chr11:64,598,923, G>A. VCF-style: chr11-64598923-G-A. GRCh37 (hg19) VCF-style: chr11-64366395-G-A.
Other names: c.968G>A, p.Trp323Ter (NM_001276326.2); c.746G>A, p.Trp249Ter (NM_001276327.2); c.407G>A, p.Trp136Ter (NM_153378.3); short protein forms W249*, W136*, W323*, W357*.
Identifiers: ClinVar variation 1908931 (VCV001908931.6), dbSNP rs534253348, ClinGen allele CA6077288.